The following is an entry in ClinVar:

ClinVar aggregate classification (germline): Likely pathogenic (1 of 4 stars; one submission).

Submission:

GeneDx
Classification: Likely pathogenic. Last evaluated: 2024-09-30. Review status: criteria provided, single submitter. Criteria: GeneDx Variant Classification Process June 2021. Collection method: clinical testing. Allele origin: germline. Affected: yes.
Comment: Not observed at significant frequency in large population cohorts (gnomAD); In silico analysis supports that this missense variant has a deleterious effect on protein structure/function; This variant is associated with the following publications: (PMID: Deneubourg2024[CaseReport])

NM_020964.3(EPG5):c.6653A>C (p.His2218Pro)

Gene: EPG5 (ectopic P-granules 5 autophagy tethering factor; minus strand). Cytogenetic location: 18q12.3.
Variant type: single nucleotide variant.
Coding change: c.6653A>C on transcript NM_020964.3 (MANE Select); coding-DNA position 6653, A replaced by C.
Protein change: p.His2218Pro; replaces histidine 2218 with proline.
Molecular consequence: missense variant.
Genome position (GRCh38, 1-based): chr18:45,865,728, T>G on the plus strand (A>C on the coding strand, the complement: EPG5 is on the minus strand). VCF-style: chr18-45865728-T-G. GRCh37 (hg19) VCF-style: chr18-43445693-T-G.
Other names: c.6653A>C, p.His2218Pro (NM_001410858.1); c.6650A>C, p.His2217Pro (NM_001410859.1); short protein forms H2217P, H2218P.
Identifiers: ClinVar variation 3774972 (VCV003774972.1).